The following is an entry in ClinVar:

ClinVar aggregate classification (germline): Uncertain significance (1 of 4 stars; one submission).

Submission:

Labcorp Genetics (formerly Invitae), Labcorp
Classification: Uncertain significance. Last evaluated: 2022-09-06. Review status: criteria provided, single submitter. Criteria: Invitae Variant Classification Sherloc (09022015). Collection method: clinical testing. Allele origin: germline.
Comment: In summary, the available evidence is currently insufficient to determine the role of this variant in disease. Therefore, it has been classified as a Variant of Uncertain Significance. Algorithms developed to predict the effect of missense changes on protein structure and function are either unavailable or do not agree on the potential impact of this missense change (SIFT: "Deleterious"; PolyPhen-2: "Probably Damaging"; Align-GVGD: "Class C0"). ClinVar contains an entry for this variant (Variation ID: 1504462). This variant has not been reported in the literature in individuals affected with CWC27-related conditions. This variant is not present in population databases (gnomAD no frequency). This sequence change replaces threonine, which is neutral and polar, with lysine, which is basic and polar, at codon 71 of the CWC27 protein (p.Thr71Lys).

NM_005869.4(CWC27):c.212C>A (p.Thr71Lys)

Gene: CWC27 (CWC27 spliceosome associated cyclophilin; plus strand). Cytogenetic location: 5q12.3.
Variant type: single nucleotide variant.
Coding change: c.212C>A on transcript NM_005869.4 (MANE Select); coding-DNA position 212, C replaced by A.
Protein change: p.Thr71Lys; replaces threonine 71 with lysine.
Molecular consequence: missense variant.
Genome position (GRCh38, 1-based): chr5:64,781,993, C>A. VCF-style: chr5-64781993-C-A. GRCh37 (hg19) VCF-style: chr5-64077820-C-A.
Other names: c.212C>A, p.Thr71Lys (NM_001297644.1, NM_001297645.2, NM_001318000.2 and 1 more transcripts); short protein forms T71K.
Identifiers: ClinVar variation 1504462 (VCV001504462.8), dbSNP rs2112161150, ClinGen allele CA359842197.